The following is an entry in ClinVar:

ClinVar aggregate classification (germline): Likely benign (1 of 4 stars; one submission).

Conditions:
BSG-related disorder. Also called: BSG-related condition.

gnomAD v4.1: 704 of 1,612,796 alleles (0.044%); highest among the groups gnomAD compares: African/African-American, 0.81%; 2 homozygotes.

Submission:

PreventionGenetics, part of Exact Sciences
Classification: Likely benign for BSG-related condition. Last evaluated: 2026-01-22. Review status: criteria provided, single submitter. Criteria: ACMG Guidelines, 2015. Collection method: clinical testing. Allele origin: germline.
Comment: This variant is classified as likely benign based on ACMG/AMP sequence variant interpretation guidelines (Richards et al. 2015 PMID: 25741868, with internal and published modifications).

NM_001728.4(BSG):c.882C>T (p.Ala294=)

Gene: BSG (basigin (Ok blood group); plus strand). Cytogenetic location: 19p13.3.
Variant type: single nucleotide variant.
Coding change: c.882C>T on transcript NM_001728.4 (MANE Select); coding-DNA position 882, C replaced by T.
Protein change: p.Ala294=; no amino-acid change (alanine 294 retained).
Molecular consequence: synonymous variant.
Genome position (GRCh38, 1-based): chr19:581,404, C>T. VCF-style: chr19-581404-C-T. GRCh37 (hg19) VCF-style: chr19-581404-C-T.
Other names: c.534C>T, p.Ala178= (NM_001322243.2, NM_198589.3); c.255C>T, p.Ala85= (NM_198590.3, NM_198591.4).
Identifiers: ClinVar variation 4980917 (VCV004980917.1).